The following is an entry in ClinVar:

NM_000553.6(WRN):c.674G>A (p.Arg225Gln)

Gene: WRN (WRN RecQ like helicase; plus strand). Cytogenetic location: 8p12.
Variant type: single nucleotide variant.
Coding change: c.674G>A on transcript NM_000553.6 (MANE Select); coding-DNA position 674, G replaced by A.
Protein change: p.Arg225Gln; replaces arginine 225 with glutamine.
Molecular consequence: missense variant.
Genome position (GRCh38, 1-based): chr8:31,068,277, G>A. VCF-style: chr8-31068277-G-A. GRCh37 (hg19) VCF-style: chr8-30925793-G-A.
Other names: short protein forms R225Q.
Identifiers: ClinVar variation 404027 (VCV000404027.9), dbSNP rs62506077, ClinGen allele CA4704138.
Genomic context (GRCh38, chr8:31,068,277, plus strand): 5'-GATCTTTAGCATACTTTTTAAATTTTTCTGTTTTTTTATAGGCTGGTTTTATTATTTACC[G>A]AAATTTAGAGATTTTGGATGATACTGTGCAAAGGTTTGCTATAAATAAAGGTATGTTAAG-3'
Protein context (NP_000544.2, residues 215-235): TDAYAGFIIY[Arg225Gln]NLEILDDTVQ

ClinVar aggregate classification (germline): Uncertain significance. Review status: criteria provided, multiple submitters, no conflicts (2 of 4 stars). 2 submissions from 2 submitters: Uncertain significance (2). Last evaluated 2025-08-07.

Conditions:
Werner syndrome (WRN). Identifiers: Orphanet 902, MedGen C0043119, MONDO:0010196, OMIM 277700.

Allele frequency attached by ClinVar (database versions not stated): gnomAD exomes 0.00001 and 0.00002; ExAC 0.00003; gnomAD 0.00003 and 0.00004; TOPMed 0.00003; ESP Exome Variant Server 0.00008.
gnomAD v4.1: 18 of 1,607,334 alleles (0.0011%); highest among the groups gnomAD compares: Admixed American, 0.0033%; no homozygotes.

Submissions (2):

Labcorp Genetics (formerly Invitae), Labcorp
Classification: Uncertain significance for Werner syndrome. Last evaluated: 2025-08-07. Review status: criteria provided, single submitter. Criteria: Invitae Variant Classification Sherloc (09022015). Collection method: clinical testing. Allele origin: germline.
Comment: This sequence change replaces arginine, which is basic and polar, with glutamine, which is neutral and polar, at codon 225 of the WRN protein (p.Arg225Gln). This variant is present in population databases (rs62506077, gnomAD 0.007%). This variant has not been reported in the literature in individuals affected with WRN-related conditions. ClinVar contains an entry for this variant (Variation ID: 404027). An algorithm developed to predict the effect of missense changes on protein structure and function outputs the following: PolyPhen-2: "Benign". The glutamine amino acid residue is found in multiple mammalian species, which suggests that this missense change does not adversely affect protein function. RNA analysis performed to evaluate the impact of this missense change on mRNA splicing indicates it does not significantly alter splicing (internal data). In summary, the available evidence is currently insufficient to determine the role of this variant in disease. Therefore, it has been classified as a Variant of Uncertain Significance.

Fulgent Genetics
Classification: Uncertain significance for Werner syndrome. Last evaluated: 2018-10-31. Review status: criteria provided, single submitter. Criteria: ACMG Guidelines, 2015. Collection method: clinical testing. Allele origin: unknown.